The following is an entry in ClinVar:

NM_017547.4(FOXRED1):c.1354G>T (p.Val452Leu)

Gene: FOXRED1 (FAD dependent oxidoreductase domain containing 1; plus strand). Cytogenetic location: 11q24.2.
Variant type: single nucleotide variant.
Coding change: c.1354G>T on transcript NM_017547.4 (MANE Select); coding-DNA position 1354, G replaced by T.
Protein change: p.Val452Leu; replaces valine 452 with leucine.
Molecular consequence: missense variant. On other transcripts: non-coding transcript variant (3).
Genome position (GRCh38, 1-based): chr11:126,277,582, G>T. VCF-style: chr11-126277582-G-T. GRCh37 (hg19) VCF-style: chr11-126147477-G-T.
Other names: c.1384G>T, p.Val462Leu (NM_001425160.1); c.1354G>T, p.Val452Leu (NM_001425161.1); c.1351G>T, p.Val451Leu (NM_001425163.1, NM_001425164.1); c.1348G>T, p.Val450Leu (NM_001425165.1); c.1306G>T, p.Val436Leu (NM_001425166.1); c.1252G>T, p.Val418Leu (NM_001425167.1); c.844G>T, p.Val282Leu (NM_001425168.1, NM_001425169.1, NM_001425170.1); c.793G>T, p.Val265Leu (NM_001425171.1, NM_001425172.1); and 2 more; short protein forms V240L, V241L, V265L, V282L, V418L, V436L, V450L, V451L.
Identifiers: ClinVar variation 3366282 (VCV003366282.1).
Genomic context (GRCh38, chr11:126,277,582, plus strand): 5'-TACTTTGCTACTGGCTTCAGTGGTCACGGGCTCCAGCAGGCCCCTGGCATTGGGCGAGCT[G>T]TAGCAGAGATGGTACTGAAGGGCAGGTTCCAGACCATCGACCTGAGCCCCTTCCTCTTTA-3'
Protein context (NP_060017.1, residues 442-462): LQQAPGIGRA[Val452Leu]AEMVLKGRFQ

ClinVar aggregate classification (germline): Uncertain significance (1 of 4 stars; one submission).

gnomAD v4.1: 8 of 1,613,712 alleles (0.0005%); highest among the groups gnomAD compares: Middle Eastern, 0.016%; no homozygotes.

Submission:

GeneDx
Classification: Uncertain significance. Last evaluated: 2023-10-20. Review status: criteria provided, single submitter. Criteria: GeneDx Variant Classification Process June 2021. Collection method: clinical testing. Allele origin: germline. Affected: yes.
Comment: Has not been previously published as pathogenic or benign to our knowledge; Not observed at significant frequency in large population cohorts (gnomAD); In silico analysis supports that this missense variant does not alter protein structure/function